The following is an entry in ClinVar:

ClinVar aggregate classification (germline): Uncertain significance. Review status: criteria provided, multiple submitters, no conflicts (2 of 4 stars). 3 submissions from 3 submitters: Uncertain significance (3). Last evaluated 2023-07-17.

Conditions:
GRACILE syndrome (FLNMS). Also called: FELLMAN SYNDROME; FINNISH LETHAL NEONATAL METABOLIC SYNDROME. Identifiers: Orphanet 53693, MedGen C1864002, MONDO:0011308, OMIM 603358.
Mitochondrial complex III deficiency nuclear type 1. Identifiers: Orphanet 254902, MedGen C3541471, MONDO:0007415, OMIM 124000.
Pili torti-deafness syndrome (BJS). Also called: PILI TORTI AND NERVE DEAFNESS; Bjornstad syndrome. Identifiers: Orphanet 123, MedGen C0266006, MONDO:0009872, OMIM 262000.

Allele frequency attached by ClinVar (database versions not stated): TOPMed 0.00001; gnomAD exomes 0.00004 and 0.00007; ExAC 0.00007.
gnomAD v4.1: 61 of 1,614,198 alleles (0.0038%); highest among the groups gnomAD compares: South Asian, 0.059%; 1 homozygote.

Submissions (3):

Victorian Clinical Genetics Services, Murdoch Childrens Research Institute
Classification: Uncertain significance for Pili torti-deafness syndrome. Last evaluated: 2023-07-17. Review status: criteria provided, single submitter. Criteria: ACMG Guidelines, 2015. Collection method: clinical testing. Allele origin: germline. Inheritance: Autosomal dominant inheritance. Affected: yes.
Comment: Based on the classification scheme VCGS_Germline_v1.3.4, this variant is classified as VUS-3B. Following criteria are met: 0102 - Loss of function is a known mechanism of disease in this gene and is associated with Bjornstad syndrome (MIM#262000), GRACILE syndrome (MIM#603358) and mitochondrial complex III deficiency, nuclear type (MIM#124000). (I) 0106 - This gene is associated with autosomal recessive disease. (I) 0200 - Variant is predicted to result in a missense amino acid change from arginine to glutamine. (I) 0252 - This variant is homozygous. (I) 0304 - Variant is present in gnomAD (v2) <0.01 for a recessive condition (17 heterozygotes, 0 homozygotes). (SP) 0309 - An alternative amino acid change at the same position has been observed in gnomAD (v2) (2 heterozygotes, 0 homozygotes). (I) 0502 - Missense variant with conflicting in silico predictions and uninformative conservation. (I) 0600 - Variant is located in the annotated BCS1 N-terminal domain (DECIPHER). (I) 0710 - Another missense variant comparable to the one identified in this case has inconclusive previous evidence for pathogenicity. p.(Arg185Trp) has been classified as a VUS by a clinical laboratory in ClinVar. (I) 0809 - Previous evidence of pathogenicity for this variant is inconclusive. This variant has been classified as a VUS by a clinical laboratory in ClinVar. (I) 0905 - No published segregation evidence has been identified for this variant. (I) 1007 - No published functional evidence has been identified for this variant. (I) 1208 - Inheritance information for this variant is not currently available in this individual. (I) Legend: (SP) - Supporting pathogenic, (I) - Information, (SB) - Supporting benign

Labcorp Genetics (formerly Invitae), Labcorp
Classification: Uncertain significance. Last evaluated: 2022-09-30. Review status: criteria provided, single submitter. Criteria: Invitae Variant Classification Sherloc (09022015). Collection method: clinical testing. Allele origin: germline.
Comment: This sequence change replaces arginine, which is basic and polar, with glutamine, which is neutral and polar, at codon 185 of the BCS1L protein (p.Arg185Gln). This variant is present in population databases (rs755462817, gnomAD 0.06%). This variant has not been reported in the literature in individuals affected with BCS1L-related conditions. ClinVar contains an entry for this variant (Variation ID: 1429458). Advanced modeling of protein sequence and biophysical properties (such as structural, functional, and spatial information, amino acid conservation, physicochemical variation, residue mobility, and thermodynamic stability) performed at Invitae indicates that this missense variant is expected to disrupt BCS1L protein function. Algorithms developed to predict the effect of sequence changes on RNA splicing suggest that this variant may create or strengthen a splice site. In summary, the available evidence is currently insufficient to determine the role of this variant in disease. Therefore, it has been classified as a Variant of Uncertain Significance.

Fulgent Genetics
Classification: Uncertain significance for Mitochondrial complex III deficiency nuclear type 1; Pili torti-deafness syndrome; GRACILE syndrome. Last evaluated: 2022-03-09. Review status: criteria provided, single submitter. Criteria: ACMG Guidelines, 2015. Collection method: clinical testing. Allele origin: unknown.

NM_001079866.2(BCS1L):c.554G>A (p.Arg185Gln)

Gene: BCS1L (BCS1 ubiquinol-cytochrome c reductase complex chaperone; plus strand). Cytogenetic location: 2q35.
Variant type: single nucleotide variant.
Coding change: c.554G>A on transcript NM_001079866.2 (MANE Select); coding-DNA position 554, G replaced by A.
Protein change: p.Arg185Gln; replaces arginine 185 with glutamine.
Molecular consequence: missense variant. On other transcripts: non-coding transcript variant (1).
Genome position (GRCh38, 1-based): chr2:218,661,852, G>A. VCF-style: chr2-218661852-G-A. GRCh37 (hg19) VCF-style: chr2-219526575-G-A.
Other names: c.554G>A, p.Arg185Gln (NM_001257342.2, NM_001257343.2, NM_001257344.2 and 10 more transcripts); c.194G>A, p.Arg65Gln (NM_001318836.2, NM_001371451.1); c.53G>A, p.Arg18Gln (NM_001371452.1, NM_001371453.1, NM_001371454.1 and 3 more transcripts); c.554G>A (NM_001079866.1); short protein forms R185Q, R65Q, R18Q.
Identifiers: ClinVar variation 1429458 (VCV001429458.6), dbSNP rs755462817, ClinGen allele CA322292.